The following is an entry in ClinVar:

NM_003283.6(TNNT1):c.128+5G>A

Gene: TNNT1 (troponin T1, slow skeletal type; minus strand). Cytogenetic location: 19q13.42.
Variant type: single nucleotide variant.
Coding change: c.128+5G>A on transcript NM_003283.6 (MANE Select); 5 bases into the intron after coding-DNA position 128, G replaced by A.
Molecular consequence: intron variant.
Genome position (GRCh38, 1-based): chr19:55,145,539, C>T on the plus strand (G>A on the coding strand, the complement: TNNT1 is on the minus strand). VCF-style: chr19-55145539-C-T. GRCh37 (hg19) VCF-style: chr19-55656907-C-T.
Other names: c.95+5G>A (NM_001126133.3, NM_001291774.2); c.128+5G>A (NM_001126132.3).
Identifiers: ClinVar variation 1416868 (VCV001416868.6), dbSNP rs769428135, ClinGen allele CA9667593.
Genomic context (GRCh38, chr19:55,145,539, plus strand): 5'-TCTGGGGGTAGAGGGAATATTTAGGAAGATGTATGACTGGGGCCCCCCACCCTGTAGGAT[C>T]TCACCTTGGTTTGGGGCGTTCCTCTTCTGTTGGTGGTGGGGGATAAAAAGAGATAATTAG-3'

ClinVar aggregate classification (germline): Uncertain significance (1 of 4 stars; one submission).

Conditions:
Nemaline myopathy 5 (NEM5A). Also called: NEMALINE MYOPATHY, AMISH TYPE; NEMALINE MYOPATHY 5A, AUTOSOMAL RECESSIVE, SEVERE INFANTILE; Nemaline myopathy 5, Amish type. Identifiers: Orphanet 98902, MedGen C1854380, MONDO:0011539, OMIM 605355.

Allele frequency attached by ClinVar (database versions not stated): ExAC 0.00001; gnomAD exomes 0.00001 and below 0.00001.
gnomAD v4.1: 2 of 1,613,278 alleles (0.00012%); highest among the groups gnomAD compares: East Asian, 0.0022%; no homozygotes.

Submission:

Labcorp Genetics (formerly Invitae), Labcorp
Classification: Uncertain significance for Nemaline myopathy 5. Last evaluated: 2021-01-27. Review status: criteria provided, single submitter. Criteria: Invitae Variant Classification Sherloc (09022015). Collection method: clinical testing. Allele origin: germline.
Comment: This variant has not been reported in the literature in individuals with TNNT1-related conditions. In summary, the available evidence is currently insufficient to determine the role of this variant in disease. Therefore, it has been classified as a Variant of Uncertain Significance. Nucleotide substitutions within the consensus splice site are a relatively common cause of aberrant splicing (PMID: 17576681, 9536098). Algorithms developed to predict the effect of sequence changes on RNA splicing suggest that this variant may disrupt the consensus splice site, but this prediction has not been confirmed by published transcriptional studies. This variant is present in population databases (rs769428135, ExAC 0.01%). This sequence change falls in intron 6 of the TNNT1 gene. It does not directly change the encoded amino acid sequence of the TNNT1 protein. It affects a nucleotide within the consensus splice site of the intron.

Literature cited by the submitters: PubMed 17576681; PubMed 9536098.